The following is an entry in ClinVar:

ClinVar aggregate classification (germline): Uncertain significance (1 of 4 stars; one submission).

Conditions:
Hypertrophic cardiomyopathy. Also called: HYPERTROPHIC MYOCARDIOPATHY. Identifiers: Orphanet 217569, MedGen C0007194, MeSH D002312, MONDO:0005045, HP:0001639.

Submission:

All of Us Research Program, National Institutes of Health
Classification: Uncertain significance for Hypertrophic cardiomyopathy. Last evaluated: 2024-08-05. Review status: criteria provided, single submitter. Criteria: ACMG Guidelines, 2015. Collection method: clinical testing. Allele origin: germline. Inheritance: Autosomal dominant inheritance. Observed: 1 variant allele, 1 heterozygote.
Comment: This study involves interpretation of variants in research participants for the purpose of population health screening. Participant phenotype was not available at the time of variant classification. Additional details can be found in publication PMID: 35346344, PMCID: PMC8962531

NM_000256.3(MYBPC3):c.2198_2199insGGG (p.Arg733_Ser734insGly)

Gene: MYBPC3 (myosin binding protein C3; minus strand). Cytogenetic location: 11p11.2.
Variant type: Insertion.
Coding change: c.2198_2199insGGG on transcript NM_000256.3 (MANE Select); coding-DNA positions 2198 to 2199, GGG inserted.
Protein change: p.Arg733_Ser734insGly.
Genome position: GRCh38 VCF-style: chr11-47338629-G-GCCC. GRCh37 (hg19) VCF-style: chr11-47360180-G-GCCC.
Identifiers: ClinVar variation 3387117 (VCV003387117.1).